The following is an entry in ClinVar:

ClinVar aggregate classification (germline): Pathogenic (1 of 4 stars; one submission).

Submission:

Labcorp Genetics (formerly Invitae), Labcorp
Classification: Pathogenic. Last evaluated: 2022-08-03. Review status: criteria provided, single submitter. Criteria: Invitae Variant Classification Sherloc (09022015). Collection method: clinical testing. Allele origin: germline.
Comment: This variant is a gross deletion of the genomic region encompassing exon(s) 15-31 of the ADGRV1 gene. This deletion is out-of-frame, and is expected to create a premature termination codon and result in an absent or disrupted protein product. Loss-of-function variants in ADGRV1 are known to be pathogenic (PMID: 19357117, 22135276, 22147658, 26226137, 30718709, 31047384, 32467589). This variant has not been reported in the literature in individuals affected with ADGRV1-related conditions. For these reasons, this variant has been classified as Pathogenic.

Literature cited by the submitters: PubMed 19357117; PubMed 22135276; PubMed 22147658; PubMed 26226137; PubMed 30718709; PubMed 31047384; PubMed 32467589.

NC_000005.9:g.(?_89940503)_(89986878_?)del

Gene: ADGRV1 (adhesion G protein-coupled receptor V1; plus strand). Cytogenetic location: 5q14.3.
Variant type: Deletion.
Identifiers: ClinVar variation 2427011 (VCV002427011.3).